The following is an entry in ClinVar:

ClinVar aggregate classification (germline): Uncertain significance (1 of 4 stars; one submission).

Conditions:
MLIP-related disorder. Also called: MLIP-related condition.

gnomAD v4.1: 365 of 1,535,516 alleles (0.024%); highest among the groups gnomAD compares: Non-Finnish European, 0.027%; no homozygotes.

Submission:

PreventionGenetics, part of Exact Sciences
Classification: Uncertain significance for MLIP-related condition. Last evaluated: 2025-01-27. Review status: criteria provided, single submitter. Criteria: ACMG Guidelines, 2015. Collection method: clinical testing. Allele origin: germline.
Comment: The MLIP c.1312A>G variant is predicted to result in the amino acid substitution p.Thr438Ala. To our knowledge, this variant has not been reported in the literature. This variant is reported in 0.032% of alleles in individuals of European (Non-Finnish) descent in gnomAD. At this time, the clinical significance of this variant is uncertain due to the absence of conclusive functional and genetic evidence.

NM_001281747.2(MLIP):c.1312A>G (p.Thr438Ala)

Gene: MLIP (muscular LMNA interacting protein; plus strand). Cytogenetic location: 6p12.1.
Variant type: single nucleotide variant.
Coding change: c.1312A>G on transcript NM_001281747.2 (MANE Select); coding-DNA position 1312, A replaced by G.
Protein change: p.Thr438Ala; replaces threonine 438 with alanine.
Molecular consequence: missense variant. On other transcripts: intron variant (1).
Genome position (GRCh38, 1-based): chr6:54,137,381, A>G. VCF-style: chr6-54137381-A-G. GRCh37 (hg19) VCF-style: chr6-54002179-A-G.
Other names: c.1279A>G, p.Thr427Ala (NM_001281746.2); c.613-11675A>G (NM_138569.3); short protein forms T438A, T427A.
Identifiers: ClinVar variation 4982368 (VCV004982368.1).